The following is an entry in ClinVar:

ClinVar aggregate classification (germline): Likely pathogenic (1 of 4 stars; one submission).

Conditions:
Intellectual developmental disorder, autosomal dominant 72 (MRD72). Identifiers: Orphanet 652487, MedGen C5830612, MONDO:0957397, OMIM 620439.

Submission:

Institute of Human Genetics, University of Goettingen
Classification: Likely pathogenic for Intellectual developmental disorder, autosomal dominant 72. Last evaluated: 2025-09-22. Review status: criteria provided, single submitter. Criteria: ACMG Guidelines, 2015. Collection method: clinical testing. Allele origin: germline. Inheritance: Autosomal dominant inheritance. Affected: yes. Observed: 1 heterozygote.
Comment: The identified variant in the SRRM2 gene is classified as likely pathogenic. It is absent from the gnomAD database and not listed in ClinVar or HGMD [PM2_SUP]. The variant is predicted to result in a truncated protein [PVS1], a mutation type known to be disease-causing in the relevant clinical context. The molecular finding is consistent with aspects of the patient's clinical presentation. ACMG criteria used for classification: PVS1, PM2_SUP.

NM_016333.4(SRRM2):c.116_117dup (p.Glu40fs)

Gene: SRRM2 (serine/arginine repetitive matrix 2; plus strand). Cytogenetic location: 16p13.3.
Variant type: Microsatellite.
Coding change: c.116_117dup on transcript NM_016333.4 (MANE Select); coding-DNA positions 116 to 117, 2 bases duplicated (AG; older notation c.116_117dupAG).
Protein change: p.Glu40fs; shifts the reading frame from glutamic acid 40.
Molecular consequence: frameshift variant.
Genome position (GRCh38, 1-based): chr16:2,756,480-2,756,481, AG duplicated; duplicating any 2 consecutive bases within chr16:2,756,477-2,756,481 gives the same sequence; the c. name uses the placement nearest the transcript's 3' end. VCF-style (leftmost placement, unchanged base first): chr16-2756476-G-GGA. GRCh37 (hg19) VCF-style: chr16-2806477-G-GGA.
Other names: short protein forms E40fs.
Identifiers: ClinVar variation 4280658 (VCV004280658.1).